The following is an entry in ClinVar:

NM_001164508.2(NEB):c.5849A>G (p.Lys1950Arg)

Gene: NEB (nebulin; minus strand). Cytogenetic location: 2q23.3.
Variant type: single nucleotide variant.
Coding change: c.5849A>G on transcript NM_001164508.2 (MANE Select); coding-DNA position 5849, A replaced by G.
Protein change: p.Lys1950Arg; replaces lysine 1950 with arginine.
Molecular consequence: missense variant.
Genome position (GRCh38, 1-based): chr2:151,662,256, T>C on the plus strand (A>G on the coding strand, the complement: NEB is on the minus strand). VCF-style: chr2-151662256-T-C. GRCh37 (hg19) VCF-style: chr2-152518770-T-C.
Other names: c.5849A>G, p.Lys1950Arg (NM_001164507.2, NM_001271208.2, NM_004543.5); short protein forms K1950R.
Identifiers: ClinVar variation 331502 (VCV000331502.16), dbSNP rs758655350, ClinGen allele CA1910258.

ClinVar aggregate classification (germline): Conflicting classifications of pathogenicity. Review status: criteria provided, conflicting classifications (1 of 4 stars). 6 submissions from 6 submitters: Uncertain significance (4); Likely benign (1). 1 of the submissions does not count toward it. Last evaluated 2025-12-30.

Conditions:
Nemaline myopathy 2 (NEM2). Also called: Nemaline myopathy 2, autosomal recessive. Identifiers: MedGen C1850569, MONDO:0009725, OMIM 256030.
Inborn genetic diseases. Identifiers: MedGen C0950123, MeSH D030342.

Allele frequency attached by ClinVar (database versions not stated): gnomAD 0.00004; TOPMed 0.00006.
gnomAD v4.1: 124 of 1,613,506 alleles (0.0077%); highest among the groups gnomAD compares: Non-Finnish European, 0.01%; no homozygotes.

Submissions (6):

Labcorp Genetics (formerly Invitae), Labcorp
Classification: Likely benign for Nemaline myopathy 2. Last evaluated: 2025-12-30. Review status: criteria provided, single submitter. Criteria: Invitae Variant Classification Sherloc (09022015). Collection method: clinical testing. Allele origin: germline.

GeneDx
Classification: Uncertain significance. Last evaluated: 2025-06-04. Review status: criteria provided, single submitter. Criteria: GeneDx Variant Classification Process June 2021. Collection method: clinical testing. Allele origin: germline. Affected: yes.
Comment: Not observed at significant frequency in large population cohorts (gnomAD); In silico analysis suggests that this missense variant does not alter protein structure/function; Has not been previously published as pathogenic or benign to our knowledge

Ambry Genetics
Classification: Uncertain significance for Inborn genetic diseases. Last evaluated: 2024-05-07. Review status: criteria provided, single submitter. Criteria: Ambry Variant Classification Scheme 2023. Collection method: clinical testing. Allele origin: germline.

Revvity Omics, Revvity
Classification: Uncertain significance. Last evaluated: 2023-09-06. Review status: criteria provided, single submitter. Criteria: ACMG Guidelines, 2015. Collection method: clinical testing. Allele origin: germline.

Illumina Laboratory Services, Illumina
Classification: Uncertain significance for Nemaline myopathy 2. Last evaluated: 2018-01-13. Review status: criteria provided, single submitter. Criteria: ICSL Variant Classification Criteria 13 December 2019. Collection method: clinical testing. Allele origin: germline.

Natera, Inc.
Classification: Uncertain significance for Nemaline myopathy type 2. Last evaluated: 2020-09-16. Review status: no assertion criteria provided. Collection method: clinical testing. Allele origin: germline. Not counted in ClinVar's aggregate classification.